The following is an entry in ClinVar:

NM_001792.5(CDH2):c.2123A>G (p.Asp708Gly)

Gene: CDH2 (cadherin 2; minus strand). Cytogenetic location: 18q12.1.
Variant type: single nucleotide variant.
Coding change: c.2123A>G on transcript NM_001792.5 (MANE Select); coding-DNA position 2123, A replaced by G.
Protein change: p.Asp708Gly; replaces aspartic acid 708 with glycine.
Molecular consequence: missense variant.
Genome position (GRCh38, 1-based): chr18:27,985,086, T>C on the plus strand (A>G on the coding strand, the complement: CDH2 is on the minus strand). VCF-style: chr18-27985086-T-C. GRCh37 (hg19) VCF-style: chr18-25565050-T-C.
Other names: c.2030A>G, p.Asp677Gly (NM_001308176.2); short protein forms D677G, D708G.
Identifiers: ClinVar variation 4711396 (VCV004711396.1).

ClinVar aggregate classification (germline): Uncertain significance (1 of 4 stars; one submission).

Submission:

Labcorp Genetics (formerly Invitae), Labcorp
Classification: Uncertain significance. Last evaluated: 2025-09-13. Review status: criteria provided, single submitter. Criteria: Invitae Variant Classification Sherloc (09022015). Collection method: clinical testing. Allele origin: germline.
Comment: This sequence change replaces aspartic acid, which is acidic and polar, with glycine, which is neutral and non-polar, at codon 708 of the CDH2 protein (p.Asp708Gly). This variant is not present in population databases (gnomAD no frequency). This variant has not been reported in the literature in individuals affected with CDH2-related conditions. An algorithm developed to predict the effect of missense changes on protein structure and function (PolyPhen-2) suggests that this variant is likely to be disruptive. In summary, the available evidence is currently insufficient to determine the role of this variant in disease. Therefore, it has been classified as a Variant of Uncertain Significance.